The following is an entry in ClinVar:

NM_013352.4(DSE):c.95T>A (p.Met32Lys)

Gene: DSE (dermatan sulfate epimerase; plus strand). Cytogenetic location: 6q22.1.
Variant type: single nucleotide variant.
Coding change: c.95T>A on transcript NM_013352.4 (MANE Select); coding-DNA position 95, T replaced by A.
Protein change: p.Met32Lys; replaces methionine 32 with lysine.
Molecular consequence: missense variant. On other transcripts: 5 prime UTR variant (4), non-coding transcript variant (1).
Genome position (GRCh38, 1-based): chr6:116,399,345, T>A. VCF-style: chr6-116399345-T-A. GRCh37 (hg19) VCF-style: chr6-116720508-T-A.
Other names: c.95T>A, p.Met32Lys (NM_001080976.3, NM_001322937.2, NM_001322938.2 and 3 more transcripts); c.152T>A, p.Met51Lys (NM_001322939.2); c.-463T>A (NM_001322940.2, NM_001322941.2); c.-806T>A (NM_001374520.1); c.-493T>A (NM_001374521.1); short protein forms M51K, M32K.
Identifiers: ClinVar variation 1030283 (VCV001030283.1), dbSNP rs140765634, ClinGen allele CA365534042.

ClinVar aggregate classification (germline): Uncertain significance (1 of 4 stars; one submission).

Conditions:
Ehlers-Danlos syndrome, musculocontractural type 2 (EDSMC2). Identifiers: Orphanet 2953, MedGen C3809845, MONDO:0014236, OMIM 615539.

Submission:

Baylor Genetics
Classification: Uncertain significance for Ehlers-Danlos syndrome, musculocontractural type 2. Last evaluated: 2020-02-03. Review status: criteria provided, single submitter. Criteria: ACMG Guidelines, 2015. Collection method: clinical testing. Allele origin: unknown. Affected: yes.
Comment: This variant was determined to be of uncertain significance according to ACMG Guidelines, 2015 [PMID:25741868].